The following is an entry in ClinVar:

ClinVar aggregate classification (germline): Uncertain significance (1 of 4 stars; one submission).

Conditions:
Hyperekplexia 3 (HKPX3). Also called: HYPEREKPLEXIA 3, AUTOSOMAL RECESSIVE; HYPEREKPLEXIA 3, AUTOSOMAL DOMINANT. Identifiers: Orphanet 3197, MedGen C3553288, MONDO:0013827, OMIM 614618.

Allele frequency attached by ClinVar (database versions not stated): gnomAD exomes 0.00001.
gnomAD v4.1: 18 of 1,614,052 alleles (0.0011%); highest among the groups gnomAD compares: Non-Finnish European, 0.0014%; no homozygotes.

Submission:

Labcorp Genetics (formerly Invitae), Labcorp
Classification: Uncertain significance for Hyperekplexia 3. Last evaluated: 2022-05-19. Review status: criteria provided, single submitter. Criteria: Invitae Variant Classification Sherloc (09022015). Collection method: clinical testing. Allele origin: germline.
Comment: This sequence change replaces methionine, which is neutral and non-polar, with isoleucine, which is neutral and non-polar, at codon 732 of the SLC6A5 protein (p.Met732Ile). This variant is present in population databases (no rsID available, gnomAD 0.0009%). In summary, the available evidence is currently insufficient to determine the role of this variant in disease. Therefore, it has been classified as a Variant of Uncertain Significance. Advanced modeling of protein sequence and biophysical properties (such as structural, functional, and spatial information, amino acid conservation, physicochemical variation, residue mobility, and thermodynamic stability) performed at Invitae indicates that this missense variant is not expected to disrupt SLC6A5 protein function. This variant has not been reported in the literature in individuals affected with SLC6A5-related conditions.

NM_004211.5(SLC6A5):c.2196G>A (p.Met732Ile)

Gene: SLC6A5 (solute carrier family 6 member 5; plus strand). Cytogenetic location: 11p15.1.
Variant type: single nucleotide variant.
Coding change: c.2196G>A on transcript NM_004211.5 (MANE Select); coding-DNA position 2196, G replaced by A.
Protein change: p.Met732Ile; replaces methionine 732 with isoleucine.
Molecular consequence: missense variant.
Genome position (GRCh38, 1-based): chr11:20,652,414, G>A. VCF-style: chr11-20652414-G-A. GRCh37 (hg19) VCF-style: chr11-20673960-G-A.
Other names: c.1494G>A, p.Met498Ile (NM_001318369.2); short protein forms M498I, M732I.
Identifiers: ClinVar variation 1991808 (VCV001991808.4), dbSNP rs1374954017, ClinGen allele CA379916126.